The following is an entry in ClinVar:

ClinVar aggregate classification (germline): Uncertain significance (1 of 4 stars; one submission).

Allele frequency attached by ClinVar (database versions not stated): gnomAD 0.00001; 1000 Genomes Project 30x 0.00016; 1000 Genomes Project 0.00020.
gnomAD v4.1: 7 of 1,614,200 alleles (0.00043%); highest among the groups gnomAD compares: East Asian, 0.0022%; no homozygotes.

Submission:

GeneDx
Classification: Uncertain significance. Last evaluated: 2023-03-13. Review status: criteria provided, single submitter. Criteria: GeneDx Variant Classification Process June 2021. Collection method: clinical testing. Allele origin: germline. Affected: yes.
Comment: Not observed at significant frequency in large population cohorts (gnomAD); In silico analysis supports that this missense variant does not alter protein structure/function; Has not been previously published as pathogenic or benign to our knowledge

NM_005559.4(LAMA1):c.7942A>C (p.Lys2648Gln)

Gene: LAMA1 (laminin subunit alpha 1; minus strand). Cytogenetic location: 18p11.31.
Variant type: single nucleotide variant.
Coding change: c.7942A>C on transcript NM_005559.4 (MANE Select); coding-DNA position 7942, A replaced by C.
Protein change: p.Lys2648Gln; replaces lysine 2648 with glutamine.
Molecular consequence: missense variant.
Genome position (GRCh38, 1-based): chr18:6,958,499, T>G on the plus strand (A>C on the coding strand, the complement: LAMA1 is on the minus strand). VCF-style: chr18-6958499-T-G. GRCh37 (hg19) VCF-style: chr18-6958498-T-G.
Other names: short protein forms K2648Q.
Identifiers: ClinVar variation 2580016 (VCV002580016.1), dbSNP rs200204767, ClinGen allele CA295778354.